The following is an entry in ClinVar:

NM_018075.5(ANO10):c.132del (p.Asp45fs)

Gene: ANO10 (anoctamin 10; minus strand). Cytogenetic location: 3p21.33.
Variant type: Deletion.
Coding change: c.132del on transcript NM_018075.5 (MANE Select); coding-DNA position 132, one base deleted (A; older notation c.132delA).
Protein change: p.Asp45fs; shifts the reading frame from aspartic acid 45.
Molecular consequence: frameshift variant.
Genome position (GRCh38, 1-based): chr3:43,605,721, T deleted on the plus strand (A on the coding strand, the reverse complement: ANO10 is on the minus strand); the first of 9 consecutive T bases (chr3:43,605,721-43,605,729); deleting any one gives the same sequence. VCF-style (leftmost placement, unchanged base first): chr3-43605720-CT-C. GRCh37 (hg19) VCF-style: chr3-43647212-CT-C.
Other names: c.132del, p.Asp45fs (NM_001204834.3, NM_001346463.2, NM_001346464.2 and 8 more transcripts); short protein forms D45fs.
Identifiers: ClinVar variation 2846174 (VCV002846174.4), dbSNP rs540331226, ClinGen allele CA2341139.

ClinVar aggregate classification (germline): Pathogenic. Review status: criteria provided, multiple submitters, no conflicts (2 of 4 stars). 2 submissions from 2 submitters: Pathogenic (2). Last evaluated 2025-10-27.

Conditions:
Autosomal recessive spinocerebellar ataxia 10. Identifiers: Orphanet 284289, MedGen C3150998, MONDO:0013392, OMIM 613728.

Submissions (2):

Myriad Genetics, Inc.
Classification: Pathogenic for Autosomal recessive spinocerebellar ataxia 10. Last evaluated: 2025-10-27. Review status: criteria provided, single submitter. Criteria: Myriad Autosomal Dominant, Autosomal Recessive and X-Linked Classification Criteria (2023). Collection method: clinical testing. Allele origin: unknown.
Comment: NM_018075.3(ANO10):c.132delA(D45Mfs*12) is a frameshift variant classified as pathogenic in the context of spinocerebellar ataxia, ANO10-related. D45Mfs*12 has not been observed in cases with relevant disease. Relevant functional assessments of this variant are not available in the literature. D45Mfs*12 has been observed in referenced population frequency databases. In summary, NM_018075.3(ANO10):c.132delA(D45Mfs*12) is a frameshift variant in a gene where loss of function is a known mechanism of disease and is predicted to disrupt protein function. Please note: this variant was assessed in the context of healthy population screening.

Labcorp Genetics (formerly Invitae), Labcorp
Classification: Pathogenic. Last evaluated: 2023-08-25. Review status: criteria provided, single submitter. Criteria: Invitae Variant Classification Sherloc (09022015). Collection method: clinical testing. Allele origin: germline.
Comment: For these reasons, this variant has been classified as Pathogenic. This variant has not been reported in the literature in individuals affected with ANO10-related conditions. The frequency data for this variant in the population databases is considered unreliable, as metrics indicate poor data quality at this position in the gnomAD database. This sequence change creates a premature translational stop signal (p.Asp45Metfs*12) in the ANO10 gene. It is expected to result in an absent or disrupted protein product. Loss-of-function variants in ANO10 are known to be pathogenic (PMID: 25089919).

Literature cited by the submitters: PubMed 25089919 (cited by Labcorp Genetics (formerly Invitae), Labcorp).